The following is an entry in ClinVar:

NM_001375834.1(WIPF1):c.339C>G (p.Ser113=)

Gene: WIPF1 (WAS/WASL interacting protein family member 1; minus strand). Cytogenetic location: 2q31.1.
Variant type: single nucleotide variant.
Coding change: c.339C>G on transcript NM_001375834.1 (MANE Select); coding-DNA position 339, C replaced by G.
Protein change: p.Ser113=; no amino-acid change (serine 113 retained).
Molecular consequence: synonymous variant. On other transcripts: intron variant (1).
Genome position (GRCh38, 1-based): chr2:174,575,223, G>C on the plus strand (C>G on the coding strand, the complement: WIPF1 is on the minus strand). VCF-style: chr2-174575223-G-C. GRCh37 (hg19) VCF-style: chr2-175439951-G-C.
Other names: p.Ser113=; c.339C>G, p.Ser113= (NM_001077269.1, NM_001375832.1, NM_001375833.1 and 5 more transcripts); c.182-2978C>G (NM_001375839.1).
Identifiers: ClinVar variation 472921 (VCV000472921.16), dbSNP rs76308107, ClinGen allele CA1974166.

ClinVar aggregate classification (germline): Benign. Review status: criteria provided, multiple submitters, no conflicts (2 of 4 stars). 4 submissions from 4 submitters: Benign (3). 1 of the submissions does not count toward it. Last evaluated 2026-02-01.

Conditions:
WIPF1-related disorder. Also called: WIPF1-related condition.
Wiskott-Aldrich syndrome 2 (WAS2). Also called: WIPF1 DEFICIENCY. Identifiers: Orphanet 906, MedGen C3281001, MONDO:0013779, OMIM 614493.

Allele frequency attached by ClinVar (database versions not stated): gnomAD exomes 0.00052 and 0.00145; ExAC 0.00199; 1000 Genomes Project 30x 0.00531; 1000 Genomes Project 0.00539; gnomAD 0.00573 and 0.00619; TOPMed 0.00651; ESP Exome Variant Server 0.00877.
gnomAD v4.1: 1,663 of 1,612,036 alleles (0.1%); highest among the groups gnomAD compares: African/African-American, 2%; 16 homozygotes.

Submissions (4):

Labcorp Genetics (formerly Invitae), Labcorp
Classification: Benign for Wiskott-Aldrich syndrome 2. Last evaluated: 2026-02-01. Review status: criteria provided, single submitter. Criteria: Invitae Variant Classification Sherloc (09022015). Collection method: clinical testing. Allele origin: germline.

Mayo Clinic Laboratories, Mayo Clinic
Classification: Benign. Last evaluated: 2024-10-08. Review status: criteria provided, single submitter. Criteria: ACMG Guidelines, 2015. Collection method: clinical testing. Allele origin: germline. Observed: 11 variant alleles.
Comment: BS1, BS2, BP4, BP7

Breakthrough Genomics
Classification: Benign. Review status: criteria provided, single submitter. Criteria: ACMG Guidelines, 2015. Collection method: not provided. Allele origin: germline. Inheritance: Autosomal recessive inheritance. Affected: yes.

PreventionGenetics, part of Exact Sciences
Classification: Benign for WIPF1-related condition. Last evaluated: 2019-08-29. Review status: no assertion criteria provided. Collection method: clinical testing. Allele origin: germline. Not counted in ClinVar's aggregate classification.
Comment: This variant is classified as benign based on ACMG/AMP sequence variant interpretation guidelines (Richards et al. 2015 PMID: 25741868, with internal and published modifications).